The following is an entry in ClinVar:

NM_022356.4(P3H1):c.1383_1389dup (p.Lys464fs)

Gene: P3H1 (prolyl 3-hydroxylase 1; minus strand). Cytogenetic location: 1p34.2.
Variant type: Duplication.
Coding change: c.1383_1389dup on transcript NM_022356.4 (MANE Select); coding-DNA positions 1383 to 1389, 7 bases duplicated (GAACTCC; older notation c.1383_1389dupGAACTCC).
Protein change: p.Lys464fs; shifts the reading frame from lysine 464.
Molecular consequence: frameshift variant.
Genome position (GRCh38, 1-based): chr1:42,752,621-42,752,627, GGAGTTC duplicated on the plus strand (GAACTCC on the coding strand, the reverse complement: P3H1 is on the minus strand). VCF-style (leftmost placement, unchanged base first): chr1-42752620-T-TGGAGTTC. GRCh37 (hg19) VCF-style: chr1-43218291-T-TGGAGTTC.
Other names: p.Lys464GlufsTer19; c.1383_1389dup, p.Lys464fs (NM_001146289.2, NM_001243246.2); short protein forms K464fs.
Identifiers: ClinVar variation 1707605 (VCV001707605.10), dbSNP rs137853953, ClinGen allele CA21243045.

ClinVar aggregate classification (germline): Pathogenic/Likely pathogenic. Review status: criteria provided, multiple submitters, no conflicts (2 of 4 stars). 5 submissions from 5 submitters: Pathogenic (4); Likely pathogenic (1). Last evaluated 2025-12-23.

Conditions:
Osteogenesis imperfecta type 8 (OI8). Identifiers: MedGen C1970458, MONDO:0012581, OMIM 610915.

Allele frequency attached by ClinVar (database versions not stated): gnomAD exomes below 0.00001.

Submissions (5):

Labcorp Genetics (formerly Invitae), Labcorp
Classification: Pathogenic for Osteogenesis imperfecta type 8. Last evaluated: 2025-12-23. Review status: criteria provided, single submitter. Criteria: Invitae Variant Classification Sherloc (09022015). Collection method: clinical testing. Allele origin: germline.
Comment: This sequence change creates a premature translational stop signal (p.Lys464Glufs*19) in the P3H1 gene. It is expected to result in an absent or disrupted protein product. Loss-of-function variants in P3H1 are known to be pathogenic (PMID: 17277775, 18566967, 19088120, 22281939). This variant is not present in population databases (gnomAD no frequency). This premature translational stop signal has been observed in individual(s) with osteogenesis imperfecta (PMID: 18566967, 27383115). ClinVar contains an entry for this variant (Variation ID: 1707605). For these reasons, this variant has been classified as Pathogenic.

Fulgent Genetics
Classification: Pathogenic for Osteogenesis imperfecta type 8. Last evaluated: 2024-06-21. Review status: criteria provided, single submitter. Criteria: ACMG Guidelines, 2015. Collection method: clinical testing. Allele origin: germline.

Neuberg Centre For Genomic Medicine, NCGM
Classification: Pathogenic for Osteogenesis imperfecta type 8. Last evaluated: 2023-07-22. Review status: criteria provided, single submitter. Criteria: ACMG Guidelines, 2015. Collection method: clinical testing. Allele origin: germline. Inheritance: Autosomal recessive inheritance. Affected: yes.
Comment: The observed frameshift c.1383_1389dup p.Lys464GlufsTer19 variant in P3H1 gene has been previously reported in homozygous state in multiple individuals affected with Osteogenesis imperfecta Pepin MG et al. 2013; Marini JC et al. 2010; Baldridge D et al. 2008. The p.Lys464GlufsTer19 variant is absent in gnomAD Exomes. This variant has been submitted to the ClinVar database as Pathogenic. This variant causes a frameshift starting with codon Lysine 464, changes this amino acid to Glutamic Acid residue, and creates a premature Stop codon at position 19 of the new reading frame, denoted p.Lys464GlufsTer19. This variant is predicted to cause loss of normal protein function through protein truncation. Loss of function variants have been previously reported to be disease causing. For these reasons, this variant has been classified as Pathogenic.

Genome-Nilou Lab
Classification: Likely pathogenic for Osteogenesis imperfecta type 8. Last evaluated: 2023-04-11. Review status: criteria provided, single submitter. Criteria: ACMG Guidelines, 2015. Collection method: clinical testing. Allele origin: germline. Affected: no.

Foundation for Research in Genetics and Endocrinology, FRIGE's Institute of Human Genetics
Classification: Pathogenic for Osteogenesis imperfecta type 8. Last evaluated: 2022-07-22. Review status: criteria provided, single submitter. Criteria: ACMG Guidelines, 2015. Collection method: clinical testing. Allele origin: germline. Inheritance: Autosomal recessive inheritance. Affected: yes. Observed: 1 homozygote.
Comment: A Homozygous variation in exon 9 of the P3H1gene that results in the amino acid substitution of Glutamic acid for Lysin at codon 464 was detected. The observed variant c.1383_1389dup (p.Lys464GlufsTer19) has not been reported in the 1000 genomes and databases. The in silico prediction of the variant are possibly damaging by MutationTaster2. The reference codon is conserved across species. In summary, the variant meets our criteria to be classified as pathogenic.

Literature cited by the submitters: PubMed 17277775 (cited by Labcorp Genetics (formerly Invitae), Labcorp); PubMed 18566967 (cited by Labcorp Genetics (formerly Invitae), Labcorp); PubMed 19088120 (cited by Labcorp Genetics (formerly Invitae), Labcorp); PubMed 22281939 (cited by Labcorp Genetics (formerly Invitae), Labcorp); PubMed 27383115 (cited by Labcorp Genetics (formerly Invitae), Labcorp).